The following is an entry in ClinVar:

NM_021973.3(HAND2):c.63CGC[6] (p.Ala32_Ser33insAla)

Genes: HAND2 (heart and neural crest derivatives expressed 2; minus strand), HAND2-AS1 (HAND2 antisense RNA 1; plus strand). Cytogenetic location: 4q34.1.
Variant type: Microsatellite.
Coding change: c.63CGC[6] on transcript NM_021973.3 (MANE Select); six copies in a row of the 3-base unit CGC starting at c.63; the reference has five copies in a row; one copy, 3 bases duplicated.
Protein change: p.Ala32_Ser33insAla.
Molecular consequence: inframe insertion.
Genome position (GRCh38, 1-based): chr4:173,529,213-173,529,215, GCG duplicated on the plus strand (CGC on the coding strand, the reverse complement: HAND2 is on the minus strand); duplicating any 3 consecutive bases within chr4:173,529,213-173,529,229 gives the same sequence; the position shown is the placement nearest the transcript's 3' end. VCF-style (leftmost placement, unchanged base first): chr4-173529212-T-TGCG. GRCh37 (hg19) VCF-style: chr4-174450363-T-TGCG.
Identifiers: ClinVar variation 1988236 (VCV001988236.4), dbSNP rs748679118, ClinGen allele CA556463674.
Genomic context (GRCh38, chr4:173,529,212, plus strand): 5'-CCAGCCATGGAAGTAGGGGTTCTCCTCATGGCTGCAGCGGCTGGCGGCGGCGGCGGCAGC[T>TGCG]GCGGCGGCGGCGGCGGCAAACGGGTAGCCCTCGTGGTGCACCACCGGGTGGTGGGGAAAA-3'

ClinVar aggregate classification (germline): Uncertain significance (1 of 4 stars; one submission).

Submission:

Labcorp Genetics (formerly Invitae), Labcorp
Classification: Uncertain significance. Last evaluated: 2023-11-19. Review status: criteria provided, single submitter. Criteria: Invitae Variant Classification Sherloc (09022015). Collection method: clinical testing. Allele origin: germline.
Comment: This variant, c.75_77dup, results in the insertion of 1 amino acid(s) of the HAND2 protein (p.Ala32dup), but otherwise preserves the integrity of the reading frame. The frequency data for this variant in the population databases is considered unreliable, as metrics indicate poor data quality at this position in the gnomAD database. This variant has not been reported in the literature in individuals affected with HAND2-related conditions. Experimental studies and prediction algorithms are not available or were not evaluated, and the functional significance of this variant is currently unknown. In summary, the available evidence is currently insufficient to determine the role of this variant in disease. Therefore, it has been classified as a Variant of Uncertain Significance.